The following is an entry in ClinVar:

NM_001370259.2(MEN1):c.79C>A (p.Leu27Met)

Gene: MEN1 (menin 1; minus strand). Cytogenetic location: 11q13.1.
Variant type: single nucleotide variant.
Coding change: c.79C>A on transcript NM_001370259.2 (MANE Select); coding-DNA position 79, C replaced by A.
Protein change: p.Leu27Met; replaces leucine 27 with methionine.
Molecular consequence: missense variant. On other transcripts: non-coding transcript variant (4).
Genome position (GRCh38, 1-based): chr11:64,810,031, G>T on the plus strand (C>A on the coding strand, the complement: MEN1 is on the minus strand). VCF-style: chr11-64810031-G-T. GRCh37 (hg19) VCF-style: chr11-64577503-G-T.
Other names: c.79C>A, p.Leu27Met (NM_000244.4, NM_001370251.2, NM_001370260.2 and 20 more transcripts); short protein forms L27M.
Identifiers: ClinVar variation 3229109 (VCV003229109.2), dbSNP rs1006536599, ClinGen allele CA381188048.
Genomic context (GRCh38, chr11:64,810,031, plus strand): 5'-AATGCTCCACGAAGCCCAGCACCAAGGAAAGGAGCACCAGGTCCGGCTCCTCTCGGCCCA[G>T]CTCGGCAGCAAACAGGCGCACCACGTCGTCGATGGAGCGCAGCGGGAACAGCGTCTTCTG-3'
Protein context (NP_001357188.2, residues 17-37): DDVVRLFAAE[Leu27Met]GREEPDLVLL

ClinVar aggregate classification (germline): Uncertain significance. Review status: criteria provided, multiple submitters, no conflicts (2 of 4 stars). 2 submissions from 2 submitters: Uncertain significance (2). Last evaluated 2025-07-16.

Conditions:
Hereditary cancer-predisposing syndrome. Also called: Hereditary Cancer Syndrome; Tumor predisposition; Neoplastic Syndromes, Hereditary; Hereditary neoplastic syndrome. Identifiers: Orphanet 140162, MedGen C0027672, MeSH D009386, MONDO:0015356.
Multiple endocrine neoplasia, type 1 (MEN1). Also called: WERMER SYNDROME; Endocrine adenomatosis multiple; MEN 1; MEN I; MEA I. Identifiers: Orphanet 652, MedGen C0025267, MeSH D018761, MONDO:0007540, OMIM 131100.

Allele frequency attached by ClinVar (database versions not stated): TOPMed below 0.00001; gnomAD 0.00001.

Submissions (2):

Labcorp Genetics (formerly Invitae), Labcorp
Classification: Uncertain significance for Multiple endocrine neoplasia, type 1. Last evaluated: 2025-07-16. Review status: criteria provided, single submitter. Criteria: Invitae Variant Classification Sherloc (09022015). Collection method: clinical testing. Allele origin: germline.
Comment: This sequence change replaces leucine, which is neutral and non-polar, with methionine, which is neutral and non-polar, at codon 27 of the MEN1 protein (p.Leu27Met). This variant is not present in population databases (gnomAD no frequency). This variant has not been reported in the literature in individuals affected with MEN1-related conditions. ClinVar contains an entry for this variant (Variation ID: 3229109). Invitae Evidence Modeling of protein sequence and biophysical properties (such as structural, functional, and spatial information, amino acid conservation, physicochemical variation, residue mobility, and thermodynamic stability) indicates that this missense variant is expected to disrupt MEN1 protein function with a positive predictive value of 95%. In summary, the available evidence is currently insufficient to determine the role of this variant in disease. Therefore, it has been classified as a Variant of Uncertain Significance.

Ambry Genetics
Classification: Uncertain significance for Hereditary cancer-predisposing syndrome. Last evaluated: 2022-11-15. Review status: criteria provided, single submitter. Criteria: Ambry Variant Classification Scheme 2023. Collection method: clinical testing. Allele origin: germline.
Comment: The p.L27M variant (also known as c.79C>A), located in coding exon 1 of the MEN1 gene, results from a C to A substitution at nucleotide position 79. The leucine at codon 27 is replaced by methionine, an amino acid with highly similar properties. This amino acid position is conserved. In addition, this alteration is predicted to be deleterious by in silico analysis. Since supporting evidence is limited at this time, the clinical significance of this alteration remains unclear.